The following is an entry in ClinVar:

NM_000059.4(BRCA2):c.3473A>G (p.Glu1158Gly)

Gene: BRCA2 (BRCA2 DNA repair associated; plus strand). Cytogenetic location: 13q13.1.
Variant type: single nucleotide variant.
Coding change: c.3473A>G on transcript NM_000059.4 (MANE Select); coding-DNA position 3473, A replaced by G.
Protein change: p.Glu1158Gly; replaces glutamic acid 1158 with glycine.
Molecular consequence: missense variant.
Genome position (GRCh38, 1-based): chr13:32,337,828, A>G. VCF-style: chr13-32337828-A-G. GRCh37 (hg19) VCF-style: chr13-32911965-A-G.
Other names: short protein forms E1158G.
Identifiers: ClinVar variation 224460 (VCV000224460.3), dbSNP rs886037808, ClinGen allele CA10575915.

ClinVar aggregate classification (germline): Conflicting classifications of pathogenicity. Review status: criteria provided, conflicting classifications (1 of 4 stars). 2 submissions from 2 submitters: Uncertain significance (1); Likely benign (1). Last evaluated 2023-03-23.

Conditions:
Breast neoplasm. Also called: Neoplasm of breast; Breast tumor; Neoplasm of the breast; Breast Neoplasms. Identifiers: MedGen C1458155, MeSH D001943, MONDO:0021100, HP:0100013. Disease mechanism: gain of function.
Hereditary cancer-predisposing syndrome. Also called: Tumor predisposition; Hereditary neoplastic syndrome; Neoplastic Syndromes, Hereditary; Hereditary Cancer Syndrome. Identifiers: Orphanet 140162, MedGen C0027672, MeSH D009386, MONDO:0015356.

Submissions (2):

University of Washington Department of Laboratory Medicine, University of Washington
Classification: Likely benign for Hereditary cancer-predisposing syndrome. Last evaluated: 2023-03-23. Review status: criteria provided, single submitter. Criteria: Dines et al. (Genet Med. 2020). Collection method: curation. Allele origin: germline.
Comment: Missense variant in a coldspot region where missense variants are very unlikely to be pathogenic (PMID:31911673).

BRCA2 exon 11 coldspot. Reclassification based on statistical prior probability.

Laboratory of Molecular Diagnosis of Cancer, West China Hospital, Sichuan University
Classification: Uncertain significance for Breast neoplasm. Last evaluated: 2015-11-01. Review status: criteria provided, single submitter. Criteria: ACMG Guidelines, 2015. Collection method: research. Allele origin: germline. Affected: yes. Observed: 1 variant allele.

Literature cited by the submitters: PubMed 27257965 (cited by Laboratory of Molecular Diagnosis of Cancer, West China Hospital, Sichuan University).